The following is an entry in ClinVar:

NM_001365088.1(SLC12A6):c.544-129G>A

Gene: SLC12A6 (solute carrier family 12 member 6; minus strand). Cytogenetic location: 15q14.
Variant type: single nucleotide variant.
Coding change: c.544-129G>A on transcript NM_001365088.1 (MANE Select); 129 bases into the intron before coding-DNA position 544, G replaced by A.
Molecular consequence: intron variant.
Genome position (GRCh38, 1-based): chr15:34,257,917, C>T on the plus strand (G>A on the coding strand, the complement: SLC12A6 is on the minus strand). VCF-style: chr15-34257917-C-T. GRCh37 (hg19) VCF-style: chr15-34550118-C-T.
Other names: c.367-129G>A (NM_001042495.2, NM_001042494.2); c.517-129G>A (NM_001042496.2); c.499-129G>A (NM_001042497.2); c.544-129G>A (NM_133647.2); c.391-129G>A (NM_005135.2).
Identifiers: ClinVar variation 670086 (VCV000670086.2), dbSNP rs2705350, ClinGen allele CA268641223.

ClinVar aggregate classification (germline): Benign. Review status: criteria provided, multiple submitters, no conflicts (2 of 4 stars). 2 submissions from 2 submitters: Benign (2). Last evaluated 2018-06-14.

Allele frequency attached by ClinVar (database versions not stated): 1000 Genomes Project 30x 0.87492; TOPMed 0.88068; 1000 Genomes Project 0.88219; gnomAD 0.88660 and 0.89351; gnomAD exomes 0.97413.
gnomAD v4.1: 637,329 of 667,284 alleles (96%); highest among the groups gnomAD compares: East Asian, 100%; 306,927 homozygotes.

Submissions (2):

GeneDx
Classification: Benign. Last evaluated: 2018-06-14. Review status: criteria provided, single submitter. Criteria: GeneDx Variant Classification (06012015). Collection method: clinical testing. Allele origin: germline. Affected: yes.
Comment: This variant is considered likely benign or benign based on one or more of the following criteria: it is a conservative change, it occurs at a poorly conserved position in the protein, it is predicted to be benign by multiple in silico algorithms, and/or has population frequency not consistent with disease.

Breakthrough Genomics
Classification: Benign. Review status: criteria provided, single submitter. Criteria: ACMG Guidelines, 2015. Collection method: not provided. Allele origin: germline. Inheritance: Autosomal recessive inheritance. Affected: yes.